The following is an entry in ClinVar:

NM_006015.6(ARID1A):c.2737C>T (p.Pro913Ser)

Gene: ARID1A (AT-rich interaction domain 1A; plus strand). Cytogenetic location: 1p36.11.
Variant type: single nucleotide variant.
Coding change: c.2737C>T on transcript NM_006015.6 (MANE Select); coding-DNA position 2737, C replaced by T.
Protein change: p.Pro913Ser; replaces proline 913 with serine.
Molecular consequence: missense variant.
Genome position (GRCh38, 1-based): chr1:26,766,225, C>T. VCF-style: chr1-26766225-C-T. GRCh37 (hg19) VCF-style: chr1-27092716-C-T.
Other names: c.2737C>T, p.Pro913Ser (NM_139135.4); short protein forms P913S.
Identifiers: ClinVar variation 4799878 (VCV004799878.1).
Genomic context (GRCh38, chr1:26,766,225, plus strand): 5'-ATCTAAAAGCTCAGAGTCTAACCTTTGTCTCTCTCACTTTCCATCTTCTTCCTTAGGCCG[C>T]CAGGCTACCCCAATATGAATCAAGGGGGCATGATGGGAACTGGACCTCCTTATGGACAAG-3'
Protein context (NP_006006.3, residues 903-923): VAANSIQNRP[Pro913Ser]GYPNMNQGGM

ClinVar aggregate classification (germline): Uncertain significance (1 of 4 stars; one submission).

gnomAD v4.1: 2 of 1,612,308 alleles (0.00012%); highest among the groups gnomAD compares: Non-Finnish European, 0.00017%; no homozygotes.

Submission:

Labcorp Genetics (formerly Invitae), Labcorp
Classification: Uncertain significance. Last evaluated: 2025-12-09. Review status: criteria provided, single submitter. Criteria: Invitae Variant Classification Sherloc (09022015). Collection method: clinical testing. Allele origin: germline.
Comment: This sequence change replaces proline, which is neutral and non-polar, with serine, which is neutral and polar, at codon 913 of the ARID1A protein (p.Pro913Ser). This variant is not present in population databases (gnomAD no frequency). This variant has not been reported in the literature in individuals affected with ARID1A-related conditions. Invitae Evidence Modeling of protein sequence and biophysical properties (such as structural, functional, and spatial information, amino acid conservation, physicochemical variation, residue mobility, and thermodynamic stability) indicates that this missense variant is not expected to disrupt ARID1A protein function with a negative predictive value of 95%. In summary, the available evidence is currently insufficient to determine the role of this variant in disease. Therefore, it has been classified as a Variant of Uncertain Significance.